The following is an entry in ClinVar:

NM_000632.4(ITGAM):c.2351T>G (p.Phe784Cys)

Gene: ITGAM (integrin subunit alpha M; plus strand). Cytogenetic location: 16p11.2.
Variant type: single nucleotide variant.
Coding change: c.2351T>G on transcript NM_000632.4 (MANE Select); coding-DNA position 2351, T replaced by G.
Protein change: p.Phe784Cys; replaces phenylalanine 784 with cysteine.
Molecular consequence: missense variant.
Genome position (GRCh38, 1-based): chr16:31,325,019, T>G. VCF-style: chr16-31325019-T-G. GRCh37 (hg19) VCF-style: chr16-31336340-T-G.
Other names: c.2354T>G, p.Phe785Cys (NM_001145808.2); short protein forms F784C, F785C.
Identifiers: ClinVar variation 3286805 (VCV003286805.2).

ClinVar aggregate classification (germline): Uncertain significance. Review status: criteria provided, multiple submitters, no conflicts (2 of 4 stars). 2 submissions from 2 submitters: Uncertain significance (2). Last evaluated 2025-11-03.

gnomAD v4.1: 5 of 1,612,088 alleles (0.00031%); highest among the groups gnomAD compares: African/African-American, 0.0053%; no homozygotes.

Submissions (2):

Labcorp Genetics (formerly Invitae), Labcorp
Classification: Uncertain significance. Last evaluated: 2025-11-03. Review status: criteria provided, single submitter. Criteria: Invitae Variant Classification Sherloc (09022015). Collection method: clinical testing. Allele origin: germline.
Comment: This sequence change replaces phenylalanine, which is neutral and non-polar, with cysteine, which is neutral and slightly polar, at codon 784 of the ITGAM protein (p.Phe784Cys). This variant is present in population databases (rs375364353, gnomAD 0.02%). This variant has not been reported in the literature in individuals affected with ITGAM-related conditions. ClinVar contains an entry for this variant (Variation ID: 3286805). An algorithm developed to predict the effect of missense changes on protein structure and function (PolyPhen-2) suggests that this variant is likely to be disruptive. In summary, the available evidence is currently insufficient to determine the role of this variant in disease. Therefore, it has been classified as a Variant of Uncertain Significance.

Ambry Genetics
Classification: Uncertain significance. Last evaluated: 2024-05-30. Review status: criteria provided, single submitter. Criteria: Ambry Variant Classification Scheme 2023. Collection method: clinical testing. Allele origin: germline.